The following is an entry in ClinVar:

ClinVar aggregate classification (germline): Uncertain significance. Review status: criteria provided, multiple submitters, no conflicts (2 of 4 stars). 2 submissions from 2 submitters: Uncertain significance (2). Last evaluated 2024-09-23.

Conditions:
Malignant hyperthermia, susceptibility to, 5 (MHS5). Also called: CACNA1S-Related Malignant Hyperthermia Susceptibility. Identifiers: Orphanet 423, MedGen C1866077, MONDO:0011163, OMIM 601887.
Hypokalemic periodic paralysis, type 1. Also called: HypoPP; Hypokalemic Periodic Paralysis Type 1 (AD). Identifiers: Orphanet 681, MedGen C3714580, MONDO:0042979, OMIM 170400.

Allele frequency attached by ClinVar (database versions not stated): gnomAD exomes below 0.00001.
gnomAD v4.1: 1 of 1,614,186 alleles (0.000062%); highest among the groups gnomAD compares: Non-Finnish European, 0.000085%; no homozygotes.

Submissions (2):

All of Us Research Program, National Institutes of Health
Classification: Uncertain significance for Malignant hyperthermia, susceptibility to, 5. Last evaluated: 2024-09-23. Review status: criteria provided, single submitter. Criteria: ACMG Guidelines, 2015. Collection method: clinical testing. Allele origin: germline. Inheritance: Autosomal dominant inheritance. Observed: 2 variant alleles, 2 heterozygotes.
Comment: This study involves interpretation of variants in research participants for the purpose of population health screening. Participant phenotype was not available at the time of variant classification. Additional details can be found in publication PMID: 35346344, PMCID: PMC8962531

Labcorp Genetics (formerly Invitae), Labcorp
Classification: Uncertain significance for Hypokalemic periodic paralysis, type 1; Malignant hyperthermia, susceptibility to, 5. Last evaluated: 2024-02-19. Review status: criteria provided, single submitter. Criteria: Invitae Variant Classification Sherloc (09022015). Collection method: clinical testing. Allele origin: germline.
Comment: This sequence change replaces glycine, which is neutral and non-polar, with aspartic acid, which is acidic and polar, at codon 1671 of the CACNA1S protein (p.Gly1671Asp). This variant is not present in population databases (gnomAD no frequency). This variant has not been reported in the literature in individuals affected with CACNA1S-related conditions. Advanced modeling of protein sequence and biophysical properties (such as structural, functional, and spatial information, amino acid conservation, physicochemical variation, residue mobility, and thermodynamic stability) performed at Invitae indicates that this missense variant is not expected to disrupt CACNA1S protein function with a negative predictive value of 95%. In summary, the available evidence is currently insufficient to determine the role of this variant in disease. Therefore, it has been classified as a Variant of Uncertain Significance.

NM_000069.3(CACNA1S):c.5012G>A (p.Gly1671Asp)

Gene: CACNA1S (calcium voltage-gated channel subunit alpha1 S; minus strand). Cytogenetic location: 1q32.1.
Variant type: single nucleotide variant.
Coding change: c.5012G>A on transcript NM_000069.3 (MANE Select); coding-DNA position 5012, G replaced by A.
Protein change: p.Gly1671Asp; replaces glycine 1671 with aspartic acid.
Molecular consequence: missense variant.
Genome position (GRCh38, 1-based): chr1:201,043,317, C>T on the plus strand (G>A on the coding strand, the complement: CACNA1S is on the minus strand). VCF-style: chr1-201043317-C-T. GRCh37 (hg19) VCF-style: chr1-201012445-C-T.
Other names: short protein forms G1671D.
Identifiers: ClinVar variation 3070602 (VCV003070602.4), dbSNP rs2464410244, ClinGen allele CA344135772.